The following is an entry in ClinVar:

ClinVar aggregate classification (germline): Uncertain significance (1 of 4 stars; one submission).

Conditions:
CHD8-related disorder. Also called: CHD8-related disorders; CHD8-related condition.

Submission:

PreventionGenetics, part of Exact Sciences
Classification: Uncertain significance for CHD8-related condition. Last evaluated: 2025-04-23. Review status: criteria provided, single submitter. Criteria: ACMG Guidelines, 2015. Collection method: clinical testing. Allele origin: germline.
Comment: The CHD8 c.1601A>G variant is predicted to result in the amino acid substitution p.Asn534Ser. To our knowledge, this variant has not been reported in the literature or in a large population database (gnomAD), indicating this variant is rare. At this time, the clinical significance of this variant is uncertain due to the absence of conclusive functional and genetic evidence.

NM_001170629.2(CHD8):c.1601A>G (p.Asn534Ser)

Gene: CHD8 (chromodomain helicase DNA binding protein 8; minus strand). Cytogenetic location: 14q11.2.
Variant type: single nucleotide variant.
Coding change: c.1601A>G on transcript NM_001170629.2 (MANE Select); coding-DNA position 1601, A replaced by G.
Protein change: p.Asn534Ser; replaces asparagine 534 with serine.
Molecular consequence: missense variant.
Genome position (GRCh38, 1-based): chr14:21,427,869, T>C on the plus strand (A>G on the coding strand, the complement: CHD8 is on the minus strand). VCF-style: chr14-21427869-T-C. GRCh37 (hg19) VCF-style: chr14-21896028-T-C.
Other names: c.764A>G, p.Asn255Ser (NM_020920.4); short protein forms N534S, N255S.
Identifiers: ClinVar variation 5002642 (VCV005002642.1).